The following is an entry in ClinVar:

ClinVar aggregate classification (germline): Benign (1 of 4 stars; one submission).

Conditions:
Lynch syndrome 5 (LYNCH5). Also called: Colorectal cancer, hereditary nonpolyposis, type 5; Hereditary non-polyposis colorectal cancer, type 5. Identifiers: Orphanet 144, MedGen C1833477, MONDO:0013710, OMIM 614350. Disease mechanism: loss of function.

Submission:

Myriad Genetics, Inc.
Classification: Benign for Lynch syndrome 5. Last evaluated: 2025-01-09. Review status: criteria provided, single submitter. Criteria: Myriad Autosomal Dominant, Autosomal Recessive and X-Linked Classification Criteria (2023). Collection method: clinical testing. Allele origin: unknown.
Comment: This variant is considered benign. This variant occurs in the non-coding 3' untranslated region of the gene, and is not expected to impact protein function.

NM_000179.3(MSH6):c.4070_*5dup (p.Leu1356_Ter1361=)

Gene: MSH6 (mutS homolog 6; plus strand). Cytogenetic location: 2p16.3.
Variant type: Duplication.
Coding change: c.4070_*5dup on transcript NM_000179.3 (MANE Select); coding-DNA position 4070 through 5 bases downstream of the stop codon, 19 bases duplicated (TTAAGGAATTATAGACTGA).
Protein change: p.Leu1356_Ter1361=.
Molecular consequence: no sequence alteration. On other transcripts: 3 prime UTR variant (5), non-coding transcript variant (5).
Genome position (GRCh38, 1-based): chr2:47,806,847-47,806,865, TTAAGGAATTATAGACTGA duplicated; duplicating any 19 consecutive bases within chr2:47,806,844-47,806,865 gives the same sequence; the c. name uses the placement nearest the transcript's 3' end. VCF-style (leftmost placement, unchanged base first): chr2-47806843-T-TTGATTAAGGAATTATAGAC. GRCh37 (hg19) VCF-style: chr2-48033982-T-TTGATTAAGGAATTATAGAC.
Other names: c.3680_*5dup, p.Leu1226_Ter1231= (NM_001281492.2); c.3164_*5dup, p.Leu1054_Ter1059= (NM_001281493.2, NM_001281494.2, NM_001406811.1 and 6 more transcripts); c.4166_*5dup, p.Leu1388_Ter1393= (NM_001406795.1); c.4070_*5dup, p.Leu1356_Ter1361= (NM_001406796.1, NM_001406809.1); c.3773_*5dup, p.Leu1257_Ter1262= (NM_001406797.1, NM_001406805.1, NM_001406818.1 and 8 more transcripts); c.3896_*5dup, p.Leu1298_Ter1303= (NM_001406798.1); c.3545_*5dup, p.Leu1181_Ter1186= (NM_001406799.1, NM_001406806.1, NM_001406807.1); c.*91_*109dup (NM_001406800.1); and 9 more.
Identifiers: ClinVar variation 3904523 (VCV003904523.1).